The following is an entry in ClinVar:

NM_004859.4(CLTC):c.1180A>G (p.Thr394Ala)

Gene: CLTC (clathrin heavy chain; plus strand). Cytogenetic location: 17q23.1.
Variant type: single nucleotide variant.
Coding change: c.1180A>G on transcript NM_004859.4 (MANE Select); coding-DNA position 1180, A replaced by G.
Protein change: p.Thr394Ala; replaces threonine 394 with alanine.
Molecular consequence: missense variant.
Genome position (GRCh38, 1-based): chr17:59,661,455, A>G. VCF-style: chr17-59661455-A-G. GRCh37 (hg19) VCF-style: chr17-57738816-A-G.
Other names: c.1192A>G, p.Thr398Ala (NM_001288653.2); short protein forms T394A, T398A.
Identifiers: ClinVar variation 1029301 (VCV001029301.1), dbSNP rs1598223846, ClinGen allele CA400424237.

ClinVar aggregate classification (germline): Uncertain significance (1 of 4 stars; one submission).

Conditions:
Intellectual developmental disorder, autosomal dominant 56. Also called: Intellectual disability, autosomal dominant 56; MENTAL RETARDATION, AUTOSOMAL DOMINANT 56. Identifiers: MedGen C4693389, MONDO:0030922, OMIM 617854.

Submission:

Baylor Genetics
Classification: Uncertain significance for Intellectual developmental disorder, autosomal dominant 56. Last evaluated: 2019-03-19. Review status: criteria provided, single submitter. Criteria: ACMG Guidelines, 2015. Collection method: clinical testing. Allele origin: maternal. Affected: yes.
Comment: This variant was determined to be of uncertain significance according to ACMG Guidelines, 2015 [PMID:25741868].